The following is an entry in ClinVar:

NM_000368.5(TSC1):c.1781del (p.Val594fs)

Gene: TSC1 (TSC complex subunit 1; minus strand). Cytogenetic location: 9q34.13.
Variant type: Deletion.
Coding change: c.1781del on transcript NM_000368.5 (MANE Select); coding-DNA position 1781, one base deleted (T; older notation c.1781delT).
Protein change: p.Val594fs; shifts the reading frame from valine 594.
Molecular consequence: frameshift variant.
Genome position (GRCh38, 1-based): chr9:132,905,797, A deleted on the plus strand (T on the coding strand, the reverse complement: TSC1 is on the minus strand). VCF-style (leftmost placement, unchanged base first): chr9-132905796-CA-C. GRCh37 (hg19) VCF-style: chr9-135781183-CA-C.
Other names: c.1781delT (NM_000368.4); c.1778del, p.Val593fs (NM_001162426.2); c.1628del, p.Val543fs (NM_001162427.2); c.1418del, p.Val473fs (NM_001362177.2); short protein forms V473fs, V543fs, V593fs, V594fs.
Identifiers: ClinVar variation 466042 (VCV000466042.6), dbSNP rs1554815829, ClinGen allele CA658657918.

ClinVar aggregate classification (germline): Pathogenic (1 of 4 stars; one submission).

Conditions:
Tuberous sclerosis 1 (TSC1). Identifiers: Orphanet 805, MedGen C1854465, MONDO:0008612, OMIM 191100.

Submission:

Labcorp Genetics (formerly Invitae), Labcorp
Classification: Pathogenic for Tuberous sclerosis 1. Last evaluated: 2017-06-22. Review status: criteria provided, single submitter. Criteria: Invitae Variant Classification Sherloc (09022015). Collection method: clinical testing. Allele origin: germline.
Comment: This sequence change creates a premature translational stop signal (p.Val594Glyfs*35) in the TSC1 gene. It is expected to result in an absent or disrupted protein product. This variant is not present in population databases (ExAC no frequency). This variant has not been reported in the literature in individuals with TSC1-related disease. Loss-of-function variants in TSC1 are known to be pathogenic (PMID: 10227394, 17304050). For these reasons, this variant has been classified as Pathogenic.

Literature cited by the submitters: PubMed 10227394; PubMed 17304050.